The following is an entry in ClinVar:

ClinVar aggregate classification (germline): Uncertain significance (1 of 4 stars; one submission).

Conditions:
Immunodeficiency 31B. Also called: STAT1 DEFICIENCY, AUTOSOMAL RECESSIVE; IMMUNODEFICIENCY 31B, MYCOBACTERIAL AND VIRAL INFECTIONS, AUTOSOMAL RECESSIVE. Identifiers: Orphanet 391311, MedGen C3151088, MONDO:0013427, OMIM 613796.
Mendelian susceptibility to mycobacterial diseases due to partial STAT1 deficiency. Also called: IMMUNODEFICIENCY 31A, MYCOBACTERIOSIS, AUTOSOMAL DOMINANT; STAT1 DEFICIENCY, AUTOSOMAL DOMINANT; Immunodeficiency 31a. Identifiers: Orphanet 319595, MedGen C4013950, MONDO:0013956, OMIM 614892.
Autoimmune enteropathy and endocrinopathy - susceptibility to chronic infections syndrome. Also called: Immunodeficiency 31C, autosomal dominant; Immunodeficiency 31C. Identifiers: Orphanet 391487, MedGen C3279990, MONDO:0013599, OMIM 614162.

Allele frequency attached by ClinVar (database versions not stated): gnomAD exomes below 0.00001 and 0.00001; TOPMed below 0.00001; ExAC 0.00001; gnomAD 0.00001.
gnomAD v4.1: 6 of 1,614,098 alleles (0.00037%); highest among the groups gnomAD compares: Non-Finnish European, 0.00042%; no homozygotes.

Submission:

Labcorp Genetics (formerly Invitae), Labcorp
Classification: Uncertain significance for Mendelian susceptibility to mycobacterial diseases due to partial STAT1 deficiency; Immunodeficiency 31B; Autoimmune enteropathy and endocrinopathy - susceptibility to chronic infections syndrome. Last evaluated: 2024-10-14. Review status: criteria provided, single submitter. Criteria: Invitae Variant Classification Sherloc (09022015). Collection method: clinical testing. Allele origin: germline.
Comment: This sequence change replaces tyrosine, which is neutral and polar, with phenylalanine, which is neutral and non-polar, at codon 668 of the STAT1 protein (p.Tyr668Phe). This variant is present in population databases (rs771679419, gnomAD 0.003%). This variant has not been reported in the literature in individuals affected with STAT1-related conditions. ClinVar contains an entry for this variant (Variation ID: 1378098). An algorithm developed to predict the effect of missense changes on protein structure and function (PolyPhen-2) suggests that this variant is likely to be tolerated. In summary, the available evidence is currently insufficient to determine the role of this variant in disease. Therefore, it has been classified as a Variant of Uncertain Significance.

NM_007315.4(STAT1):c.2003A>T (p.Tyr668Phe)

Gene: STAT1 (signal transducer and activator of transcription 1; minus strand). Cytogenetic location: 2q32.2.
Variant type: single nucleotide variant.
Coding change: c.2003A>T on transcript NM_007315.4 (MANE Select); coding-DNA position 2003, A replaced by T.
Protein change: p.Tyr668Phe; replaces tyrosine 668 with phenylalanine.
Molecular consequence: missense variant. On other transcripts: intron variant (1).
Genome position (GRCh38, 1-based): chr2:190,976,896, T>A on the plus strand (A>T on the coding strand, the complement: STAT1 is on the minus strand). VCF-style: chr2-190976896-T-A. GRCh37 (hg19) VCF-style: chr2-191841622-T-A.
Other names: c.1943A>T, p.Tyr648Phe (NM_001384880.1); c.2009A>T, p.Tyr670Phe (NM_001384881.1); c.1997A>T, p.Tyr666Phe (NM_001384882.1); c.1904A>T, p.Tyr635Phe (NM_001384883.1); c.1844A>T, p.Tyr615Phe (NM_001384885.1); c.2003A>T, p.Tyr668Phe (NM_001384886.1, NM_001384889.1, NM_139266.3); c.1910A>T, p.Tyr637Phe (NM_001384887.1); c.1973A>T, p.Tyr658Phe (NM_001384888.1); and 3 more; short protein forms Y635F, Y666F, Y670F, Y680F, Y615F, Y638F, Y648F, Y637F.
Identifiers: ClinVar variation 1378098 (VCV001378098.8), dbSNP rs771679419, ClinGen allele CA2029768.